The following is an entry in ClinVar:

ClinVar aggregate classification (germline): Uncertain significance. Review status: criteria provided, multiple submitters, no conflicts (2 of 4 stars). 2 submissions from 2 submitters: Uncertain significance (2). Last evaluated 2023-09-12.

Conditions:
Fanconi anemia (FA). Also called: Fanconi's anemia. Identifiers: Orphanet 84, MedGen C0015625, MeSH D005199, MONDO:0019391.

Allele frequency attached by ClinVar (database versions not stated): gnomAD exomes below 0.00001; TOPMed 0.00001.
gnomAD v4.1: 6 of 1,613,908 alleles (0.00037%); highest among the groups gnomAD compares: African/African-American, 0.004%; no homozygotes.

Submissions (2):

Labcorp Genetics (formerly Invitae), Labcorp
Classification: Uncertain significance for Fanconi anemia. Last evaluated: 2023-09-12. Review status: criteria provided, single submitter. Criteria: Invitae Variant Classification Sherloc (09022015). Collection method: clinical testing. Allele origin: germline.
Comment: In summary, the available evidence is currently insufficient to determine the role of this variant in disease. Therefore, it has been classified as a Variant of Uncertain Significance. Algorithms developed to predict the effect of missense changes on protein structure and function output the following: SIFT: "Not Available"; PolyPhen-2: "Benign"; Align-GVGD: "Not Available". The glutamine amino acid residue is found in multiple mammalian species, which suggests that this missense change does not adversely affect protein function. ClinVar contains an entry for this variant (Variation ID: 850159). This variant has not been reported in the literature in individuals affected with FANCM-related conditions. This variant is not present in population databases (gnomAD no frequency). This sequence change replaces arginine, which is basic and polar, with glutamine, which is neutral and polar, at codon 1030 of the FANCM protein (p.Arg1030Gln).

GeneDx
Classification: Uncertain significance. Last evaluated: 2023-03-24. Review status: criteria provided, single submitter. Criteria: GeneDx Variant Classification Process June 2021. Collection method: clinical testing. Allele origin: germline. Affected: yes.
Comment: Not observed at significant frequency in large population cohorts (gnomAD); In silico analysis supports that this missense variant does not alter protein structure/function; Has not been previously published as pathogenic or benign to our knowledge

NM_020937.4(FANCM):c.3089G>A (p.Arg1030Gln)

Gene: FANCM (FA complementation group M; plus strand). Cytogenetic location: 14q21.2.
Variant type: single nucleotide variant.
Coding change: c.3089G>A on transcript NM_020937.4 (MANE Select); coding-DNA position 3089, G replaced by A.
Protein change: p.Arg1030Gln; replaces arginine 1030 with glutamine.
Molecular consequence: missense variant.
Genome position (GRCh38, 1-based): chr14:45,175,843, G>A. VCF-style: chr14-45175843-G-A. GRCh37 (hg19) VCF-style: chr14-45645046-G-A.
Other names: c.3011G>A, p.Arg1004Gln (NM_001308133.2); short protein forms R1004Q, R1030Q.
Identifiers: ClinVar variation 850159 (VCV000850159.10), dbSNP rs1594798699, ClinGen allele CA389599835.